The following is an entry in ClinVar:

ClinVar aggregate classification (germline): Likely benign (1 of 4 stars; one submission).

Allele frequency attached by ClinVar (database versions not stated): ExAC 0.00005.
gnomAD v4.1: 7 of 1,550,178 alleles (0.00045%); highest among the groups gnomAD compares: South Asian, 0.007%; no homozygotes.

Submission:

CeGaT Center for Human Genetics Tuebingen
Classification: Likely benign. Last evaluated: 2022-10-01. Review status: criteria provided, single submitter. Criteria: CeGaT Center For Human Genetics Tuebingen Variant Classification Criteria Version 2. Collection method: clinical testing. Allele origin: germline. Affected: yes. Observed: 1 variant allele.
Comment: ARHGAP45: BP4, BP7

NM_012292.5(ARHGAP45):c.2667T>G (p.Gly889=)

Gene: ARHGAP45 (Rho GTPase activating protein 45; plus strand). Cytogenetic location: 19p13.3.
Variant type: single nucleotide variant.
Coding change: c.2667T>G on transcript NM_012292.5 (MANE Select); coding-DNA position 2667, T replaced by G.
Protein change: p.Gly889=; no amino-acid change (glycine 889 retained).
Molecular consequence: synonymous variant.
Genome position (GRCh38, 1-based): chr19:1,082,989, T>G. VCF-style: chr19-1082989-T-G. GRCh37 (hg19) VCF-style: chr19-1082988-T-G.
Other names: c.2715T>G, p.Gly905= (NM_001258328.4); c.1572T>G, p.Gly524= (NM_001282334.2); c.2316T>G, p.Gly772= (NM_001282335.3); c.2679T>G, p.Gly893= (NM_001321232.2).
Identifiers: ClinVar variation 2648900 (VCV002648900.24), dbSNP rs745543210, ClinGen allele CA9036251.